The following is an entry in ClinVar:

NM_152383.5(DIS3L2):c.2209G>T (p.Asp737Tyr)

Gene: DIS3L2 (DIS3 like 3'-5' exoribonuclease 2; plus strand). Cytogenetic location: 2q37.1.
Variant type: single nucleotide variant.
Coding change: c.2209G>T on transcript NM_152383.5 (MANE Select); coding-DNA position 2209, G replaced by T.
Protein change: p.Asp737Tyr; replaces aspartic acid 737 with tyrosine.
Molecular consequence: missense variant. On other transcripts: non-coding transcript variant (2), intron variant (1).
Genome position (GRCh38, 1-based): chr2:232,334,419, G>T. VCF-style: chr2-232334419-G-T. GRCh37 (hg19) VCF-style: chr2-233199129-G-T.
Other names: c.1582-8926G>T (NM_001257281.2); short protein forms D737Y.
Identifiers: ClinVar variation 1400465 (VCV001400465.6), dbSNP rs1298472941, ClinGen allele CA350977715.

ClinVar aggregate classification (germline): Uncertain significance (1 of 4 stars; one submission).

Conditions:
Perlman syndrome (PRLMNS). Identifiers: Orphanet 2849, MedGen C0796113, MONDO:0009965, OMIM 267000.

Allele frequency attached by ClinVar (database versions not stated): gnomAD 0.00001; gnomAD exomes 0.00002.
gnomAD v4.1: 25 of 1,613,692 alleles (0.0015%); highest among the groups gnomAD compares: Non-Finnish European, 0.0019%; no homozygotes.

Submission:

Labcorp Genetics (formerly Invitae), Labcorp
Classification: Uncertain significance for Perlman syndrome. Last evaluated: 2022-12-09. Review status: criteria provided, single submitter. Criteria: Invitae Variant Classification Sherloc (09022015). Collection method: clinical testing. Allele origin: germline.
Comment: In summary, the available evidence is currently insufficient to determine the role of this variant in disease. Therefore, it has been classified as a Variant of Uncertain Significance. This variant is not present in population databases (gnomAD no frequency). This variant has not been reported in the literature in individuals affected with DIS3L2-related conditions. ClinVar contains an entry for this variant (Variation ID: 1400465). Advanced modeling of protein sequence and biophysical properties (such as structural, functional, and spatial information, amino acid conservation, physicochemical variation, residue mobility, and thermodynamic stability) performed at Invitae indicates that this missense variant is not expected to disrupt DIS3L2 protein function. This sequence change replaces aspartic acid, which is acidic and polar, with tyrosine, which is neutral and polar, at codon 737 of the DIS3L2 protein (p.Asp737Tyr).